The following is an entry in ClinVar:

NM_001193315.2(VIPAS39):c.1226G>C (p.Arg409Pro)

Gene: VIPAS39 (VPS33B interacting protein, apical-basolateral polarity regulator, spe-39 homolog; minus strand). Cytogenetic location: 14q24.3.
Variant type: single nucleotide variant.
Coding change: c.1226G>C on transcript NM_001193315.2 (MANE Select); coding-DNA position 1226, G replaced by C.
Protein change: p.Arg409Pro; replaces arginine 409 with proline.
Molecular consequence: missense variant.
Genome position (GRCh38, 1-based): chr14:77,429,721, C>G on the plus strand (G>C on the coding strand, the complement: VIPAS39 is on the minus strand). VCF-style: chr14-77429721-C-G. GRCh37 (hg19) VCF-style: chr14-77896064-C-G.
Other names: c.1226G>C, p.Arg409Pro (NM_001193314.2, NM_001193317.2, NM_022067.4); c.1079G>C, p.Arg360Pro (NM_001193316.2); short protein forms R409P, R360P.
Identifiers: ClinVar variation 502520 (VCV000502520.10), dbSNP rs200598365, ClinGen allele CA263835460.

ClinVar aggregate classification (germline): Uncertain significance. Review status: criteria provided, multiple submitters, no conflicts (2 of 4 stars). 3 submissions from 3 submitters: Uncertain significance (3). Last evaluated 2024-05-31.

Conditions:
Arthrogryposis, renal dysfunction, and cholestasis 2 (ARCS2). Identifiers: Orphanet 2697, MedGen C3150672, MONDO:0013255, OMIM 613404.

Submissions (3):

Fulgent Genetics
Classification: Uncertain significance for Arthrogryposis, renal dysfunction, and cholestasis 2. Last evaluated: 2024-05-31. Review status: criteria provided, single submitter. Criteria: ACMG Guidelines, 2015. Collection method: clinical testing. Allele origin: germline.

Labcorp Genetics (formerly Invitae), Labcorp
Classification: Uncertain significance. Last evaluated: 2022-04-01. Review status: criteria provided, single submitter. Criteria: Invitae Variant Classification Sherloc (09022015). Collection method: clinical testing. Allele origin: germline.
Comment: In summary, the available evidence is currently insufficient to determine the role of this variant in disease. Therefore, it has been classified as a Variant of Uncertain Significance. Algorithms developed to predict the effect of missense changes on protein structure and function are either unavailable or do not agree on the potential impact of this missense change (SIFT: "Tolerated"; PolyPhen-2: "Probably Damaging"; Align-GVGD: "Class C0"). ClinVar contains an entry for this variant (Variation ID: 502520). This variant has not been reported in the literature in individuals affected with VIPAS39-related conditions. This variant is not present in population databases (gnomAD no frequency). This sequence change replaces arginine, which is basic and polar, with proline, which is neutral and non-polar, at codon 409 of the VIPAS39 protein (p.Arg409Pro).

Eurofins Ntd Llc (ga)
Classification: Uncertain significance. Last evaluated: 2017-06-08. Review status: criteria provided, single submitter. Criteria: EGL Classification Definitions 2015. Collection method: clinical testing. Allele origin: germline. Observed: 1 variant allele, 1 heterozygote.